The following is an entry in ClinVar:

NM_000182.5(HADHA):c.1361_1364dup (p.Lys455delinsAsnTer)

Genes: GAREM2 (GRB2 associated regulator of MAPK1 subtype 2; plus strand), HADHA (hydroxyacyl-CoA dehydrogenase trifunctional multienzyme complex subunit alpha; minus strand). Cytogenetic location: 2p23.3.
Variant type: Duplication.
Coding change: c.1361_1364dup on transcript NM_000182.5 (MANE Select); coding-DNA positions 1361 to 1364, 4 bases duplicated (TTAA; older notation c.1361_1364dupTTAA).
Protein change: p.Lys455delinsAsnTer.
Molecular consequence: nonsense.
Genome position (GRCh38, 1-based): chr2:26,201,177-26,201,180, TTAA duplicated on the plus strand (TTAA on the coding strand, the reverse complement: HADHA is on the minus strand). VCF-style (leftmost placement, unchanged base first): chr2-26201176-C-CTTAA. GRCh37 (hg19) VCF-style: chr2-26424045-C-CTTAA.
Identifiers: ClinVar variation 2922371 (VCV002922371.3), dbSNP rs2465534201, ClinGen allele CA2740092774.
Genomic context (GRCh38, chr2:26,201,176, plus strand): 5'-ACTAGGATTCAAGTACAACAGCCCCTTGCTTACCGCTTCTACTTCCTTTAGCACTCTGTG[C>CTTAA]TTAAGACTAAGGTCCTCAAACACAGCTTCAATCACCATGTCGGCCTTTTCAAAACCTTGG-3'

ClinVar aggregate classification (germline): Pathogenic (1 of 4 stars; one submission).

Conditions:
Long chain 3-hydroxyacyl-CoA dehydrogenase deficiency. Also called: Deficiency of long-chain 3-hydroxyacyl-coenzyme A dehydrogenase; LCHAD Deficiency. Identifiers: Orphanet 5, MedGen C3711645, MONDO:0012173, OMIM 609016.
Mitochondrial trifunctional protein deficiency. Identifiers: Orphanet 746, MedGen C1969443, MONDO:0012172.

Submission:

Labcorp Genetics (formerly Invitae), Labcorp
Classification: Pathogenic for Mitochondrial trifunctional protein deficiency; Long chain 3-hydroxyacyl-CoA dehydrogenase deficiency. Last evaluated: 2024-01-22. Review status: criteria provided, single submitter. Criteria: Invitae Variant Classification Sherloc (09022015). Collection method: clinical testing. Allele origin: germline.
Comment: This sequence change creates a premature translational stop signal (p.Lys455Asnfs*2) in the HADHA gene. It is expected to result in an absent or disrupted protein product. Loss-of-function variants in HADHA are known to be pathogenic (PMID: 7738175, 21103935, 21549624, 22459206). This variant is not present in population databases (gnomAD no frequency). This variant has not been reported in the literature in individuals affected with HADHA-related conditions. Algorithms developed to predict the effect of sequence changes on RNA splicing suggest that this variant may disrupt the consensus splice site. For these reasons, this variant has been classified as Pathogenic.

Literature cited by the submitters: PubMed 7738175; PubMed 21103935; PubMed 21549624; PubMed 22459206.